The following is an entry in ClinVar:

NM_001278716.2(FBXL4):c.643G>C (p.Glu215Gln)

Gene: FBXL4 (F-box and leucine rich repeat protein 4; minus strand). Cytogenetic location: 6q16.2.
Variant type: single nucleotide variant.
Coding change: c.643G>C on transcript NM_001278716.2 (MANE Select); coding-DNA position 643, G replaced by C.
Protein change: p.Glu215Gln; replaces glutamic acid 215 with glutamine.
Molecular consequence: missense variant.
Genome position (GRCh38, 1-based): chr6:98,917,589, C>G on the plus strand (G>C on the coding strand, the complement: FBXL4 is on the minus strand). VCF-style: chr6-98917589-C-G. GRCh37 (hg19) VCF-style: chr6-99365465-C-G.
Other names: c.643G>C, p.Glu215Gln (NM_012160.5); short protein forms E215Q.
Identifiers: ClinVar variation 437608 (VCV000437608.1), dbSNP rs371516190, ClinGen allele CA3933645.

ClinVar aggregate classification (germline): Uncertain significance (1 of 4 stars; one submission).

Conditions:
Mitochondrial DNA depletion syndrome 13. Also called: FBXL4-Related Encephalomyopathic Mitochondrial DNA Depletion Syndrome; Mitochondrial DNA depletion syndrome 13 (encephalomyopathic type). Identifiers: Orphanet 369897, MedGen C3809592, MONDO:0014198, OMIM 615471.

Allele frequency attached by ClinVar (database versions not stated): ExAC 0.00001; ESP Exome Variant Server 0.00008.

Submission:

Wong Mito Lab, Molecular and Human Genetics, Baylor College of Medicine
Classification: Uncertain significance for Mitochondrial DNA depletion syndrome 13. Last evaluated: 2017-08-10. Review status: criteria provided, single submitter. Criteria: ACMG Guidelines, 2015. Collection method: reference population. Allele origin: germline.
Comment: The NM_012160.4:c.643G>C (NP_036292.2:p.Glu215Gln) [GRCH38: NC_000006.12:g.98917589C>G] variant in FBXL4 gene is interpretated to be a Uncertain Significance - Insufficient Evidence based on ACMG guidelines (PMID: 25741868). This variant meets one or more of the following evidence codes reported in the ACMG-guideline. PM2:This variant is absent in key population databases. Based on this evidence code ClinGen Pathogenicity Calculator (PMID:28081714) suggested that the variant is Uncertain Significance - Insufficient Evidence.